The following is an entry in ClinVar:

ClinVar aggregate classification (germline): Conflicting classifications of pathogenicity. Review status: criteria provided, conflicting classifications (1 of 4 stars). 2 submissions from 2 submitters: Likely pathogenic (1); Uncertain significance (1). Last evaluated 2025-04-04.

Submissions (2):

GeneDx
Classification: Likely pathogenic. Last evaluated: 2025-04-04. Review status: criteria provided, single submitter. Criteria: GeneDx Variant Classification Process June 2021. Collection method: clinical testing. Allele origin: germline. Affected: yes.
Comment: Not observed at significant frequency in large population cohorts (gnomAD); In silico analysis supports that this missense variant has a deleterious effect on protein structure/function; This variant is associated with the following publications: (PMID: 29633446, 29417725, Ding2025[paper])

Labcorp Genetics (formerly Invitae), Labcorp
Classification: Uncertain significance. Last evaluated: 2022-07-23. Review status: criteria provided, single submitter. Criteria: Invitae Variant Classification Sherloc (09022015). Collection method: clinical testing. Allele origin: germline.
Comment: This sequence change replaces glutamic acid, which is acidic and polar, with lysine, which is basic and polar, at codon 93 of the INS protein (p.Glu93Lys). This variant is not present in population databases (gnomAD no frequency). This missense change has been observed in individual(s) with maturity onset diabetes of the young (PMID: 29633446). It has also been observed to segregate with disease in related individuals. Algorithms developed to predict the effect of missense changes on protein structure and function are either unavailable or do not agree on the potential impact of this missense change (SIFT: "Deleterious"; PolyPhen-2: "Possibly Damaging"; Align-GVGD: "Class C0"). In summary, the available evidence is currently insufficient to determine the role of this variant in disease. Therefore, it has been classified as a Variant of Uncertain Significance.

Literature cited by the submitters: PubMed 29633446 (cited by Labcorp Genetics (formerly Invitae), Labcorp).

NM_000207.3(INS):c.277G>A (p.Glu93Lys)

Genes: INS (insulin; minus strand), INS-IGF2 (INS-IGF2 readthrough; minus strand). Cytogenetic location: 11p15.5.
Variant type: single nucleotide variant.
Coding change: c.277G>A on transcript NM_000207.3 (MANE Select); coding-DNA position 277, G replaced by A.
Protein change: p.Glu93Lys; replaces glutamic acid 93 with lysine.
Molecular consequence: missense variant. On other transcripts: intron variant (1).
Genome position (GRCh38, 1-based): chr11:2,159,908, C>T on the plus strand (G>A on the coding strand, the complement: INS is on the minus strand). VCF-style: chr11-2159908-C-T. GRCh37 (hg19) VCF-style: chr11-2181138-C-T.
Other names: c.277G>A, p.Glu93Lys (NM_001185097.2, NM_001185098.2, NM_001291897.2); c.187+877G>A (NM_001042376.3); short protein forms E93K.
Identifiers: ClinVar variation 2152100 (VCV002152100.5), dbSNP rs2495746652, ClinGen allele CA379120885.